The following is an entry in ClinVar:

NM_016011.5(MECR):c.1006C>T (p.Arg336Cys)

Gene: MECR (mitochondrial trans-2-enoyl-CoA reductase; minus strand). Cytogenetic location: 1p35.3.
Variant type: single nucleotide variant.
Coding change: c.1006C>T on transcript NM_016011.5 (MANE Select); coding-DNA position 1006, C replaced by T.
Protein change: p.Arg336Cys; replaces arginine 336 with cysteine.
Molecular consequence: missense variant. On other transcripts: non-coding transcript variant (4).
Genome position (GRCh38, 1-based): chr1:29,194,138, G>A on the plus strand (C>T on the coding strand, the complement: MECR is on the minus strand). VCF-style: chr1-29194138-G-A. GRCh37 (hg19) VCF-style: chr1-29520650-G-A.
Other names: c.778C>T, p.Arg260Cys (NM_001024732.4, NM_001349711.2, NM_001349712.2 and 2 more transcripts); c.1111C>T, p.Arg371Cys (NM_001349715.2); c.1090C>T, p.Arg364Cys (NM_001349716.2); c.856C>T, p.Arg286Cys (NM_001349717.2); short protein forms R336C, R371C, R286C, R260C, R364C.
Identifiers: ClinVar variation 2053288 (VCV002053288.1), dbSNP rs201363919, ClinGen allele CA725544.

ClinVar aggregate classification (germline): Uncertain significance (1 of 4 stars; one submission).

Allele frequency attached by ClinVar (database versions not stated): gnomAD 0.00001; gnomAD exomes 0.00002; TOPMed 0.00002; ExAC 0.00003.

Submission:

Labcorp Genetics (formerly Invitae), Labcorp
Classification: Uncertain significance. Last evaluated: 2022-06-14. Review status: criteria provided, single submitter. Criteria: Invitae Variant Classification Sherloc (09022015). Collection method: clinical testing. Allele origin: germline.
Comment: This sequence change replaces arginine, which is basic and polar, with cysteine, which is neutral and slightly polar, at codon 336 of the MECR protein (p.Arg336Cys). This variant is present in population databases (rs201363919, gnomAD 0.007%). This variant has not been reported in the literature in individuals affected with MECR-related conditions. Algorithms developed to predict the effect of missense changes on protein structure and function are either unavailable or do not agree on the potential impact of this missense change (SIFT: "Deleterious"; PolyPhen-2: "Benign"; Align-GVGD: "Class C0"). In summary, the available evidence is currently insufficient to determine the role of this variant in disease. Therefore, it has been classified as a Variant of Uncertain Significance.